The following is an entry in ClinVar:

NM_024675.4(PALB2):c.2666C>T (p.Thr889Ile)

Gene: PALB2 (partner and localizer of BRCA2; minus strand). Cytogenetic location: 16p12.2.
Variant type: single nucleotide variant.
Coding change: c.2666C>T on transcript NM_024675.4 (MANE Select); coding-DNA position 2666, C replaced by T.
Protein change: p.Thr889Ile; replaces threonine 889 with isoleucine.
Molecular consequence: missense variant.
Genome position (GRCh38, 1-based): chr16:23,626,318, G>A on the plus strand (C>T on the coding strand, the complement: PALB2 is on the minus strand). VCF-style: chr16-23626318-G-A. GRCh37 (hg19) VCF-style: chr16-23637639-G-A.
Other names: short protein forms T889I.
Identifiers: ClinVar variation 1502869 (VCV001502869.9), dbSNP rs2142354728, ClinGen allele CA395122063.

ClinVar aggregate classification (germline): Uncertain significance (1 of 4 stars; one submission).

Conditions:
Familial cancer of breast. Also called: hereditary breast carcinoma; Hereditary breast cancer; BREAST CANCER, FAMILIAL. Identifiers: Orphanet 227535, MedGen C0346153, MONDO:0016419, OMIM 114480. Disease mechanism: loss of function.

Allele frequency attached by ClinVar (database versions not stated): gnomAD exomes below 0.00001.
gnomAD v4.1: 1 of 1,614,216 alleles (0.000062%); highest among the groups gnomAD compares: Non-Finnish European, 0.000085%; no homozygotes.

Submission:

Labcorp Genetics (formerly Invitae), Labcorp
Classification: Uncertain significance for Familial cancer of breast. Last evaluated: 2021-01-16. Review status: criteria provided, single submitter. Criteria: Invitae Variant Classification Sherloc (09022015). Collection method: clinical testing. Allele origin: germline.
Comment: This sequence change replaces threonine with isoleucine at codon 889 of the PALB2 protein (p.Thr889Ile). The threonine residue is highly conserved and there is a moderate physicochemical difference between threonine and isoleucine. This variant is not present in population databases (ExAC no frequency). This variant has not been reported in the literature in individuals with PALB2-related conditions. Algorithms developed to predict the effect of missense changes on protein structure and function are either unavailable or do not agree on the potential impact of this missense change (SIFT: "Tolerated"; PolyPhen-2: "Probably Damaging"; Align-GVGD: "Class C0"). In summary, the available evidence is currently insufficient to determine the role of this variant in disease. Therefore, it has been classified as a Variant of Uncertain Significance.